The following is an entry in ClinVar:

NM_001267550.2(TTN):c.82859G>T (p.Cys27620Phe)

Genes: TTN (titin; minus strand), TTN-AS1 (TTN antisense RNA 1; plus strand). Cytogenetic location: 2q31.2.
Variant type: single nucleotide variant.
Coding change: c.82859G>T on transcript NM_001267550.2 (MANE Select); coding-DNA position 82859, G replaced by T.
Protein change: p.Cys27620Phe; replaces cysteine 27620 with phenylalanine.
Molecular consequence: missense variant.
Genome position (GRCh38, 1-based): chr2:178,563,273, C>A on the plus strand (G>T on the coding strand, the complement: TTN is on the minus strand). VCF-style: chr2-178563273-C-A. GRCh37 (hg19) VCF-style: chr2-179428000-C-A.
Other names: p.C25979F:TGC>TTC; c.55664G>T, p.Cys18555Phe (NM_003319.4); c.56039G>T, p.Cys18680Phe (NM_133432.3); c.56240G>T, p.Cys18747Phe (NM_133437.4); c.77936G>T, p.Cys25979Phe (NM_001256850.1); c.75155G>T, p.Cys25052Phe (NM_133378.4); short protein forms C25979F, C27620F, C25052F, C18555F, C18747F, C18680F.
Identifiers: ClinVar variation 202915 (VCV000202915.10), dbSNP rs762472521, ClinGen allele CA310677.

ClinVar aggregate classification (germline): Uncertain significance. Review status: criteria provided, multiple submitters, no conflicts (2 of 4 stars). 4 submissions from 4 submitters: Uncertain significance (4). Last evaluated 2025-10-22.

Conditions:
TTN-related disorder. Also called: TTN-related condition; TTN-related disease; TTN-related disorders.

Allele frequency attached by ClinVar (database versions not stated): gnomAD exomes below 0.00001 and 0.00001; ExAC 0.00001; gnomAD 0.00001; TOPMed 0.00001.
gnomAD v4.1: 5 of 1,613,532 alleles (0.00031%); highest among the groups gnomAD compares: African/African-American, 0.0013%; no homozygotes.

Submissions (4):

PreventionGenetics, part of Exact Sciences
Classification: Uncertain significance for TTN-related condition. Last evaluated: 2025-10-22. Review status: criteria provided, single submitter. Criteria: ACMG Guidelines, 2015. Collection method: clinical testing. Allele origin: germline.
Comment: The TTN c.82859G>T variant is predicted to result in the amino acid substitution p.Cys27620Phe. To our knowledge, this variant has not been reported in the literature. This variant is reported in 0.0018% of alleles in individuals of European (Non-Finnish) descent in gnomAD. At this time, the clinical significance of this variant is uncertain due to the absence of conclusive functional and genetic evidence.

Revvity Omics, Revvity
Classification: Uncertain significance. Last evaluated: 2024-06-03. Review status: criteria provided, single submitter. Criteria: ACMG Guidelines, 2015. Collection method: clinical testing. Allele origin: germline.

Laboratory for Molecular Medicine, Mass General Brigham Personalized Medicine
Classification: Uncertain significance. Last evaluated: 2015-01-16. Review status: criteria provided, single submitter. Criteria: LMM Criteria. Collection method: clinical testing. Allele origin: germline. Observed: 1 variant allele.
Comment: The p.Cys25052Phe variant in TTN has not been previously reported in individuals with cardiomyopathy, but has been identified in 1/67644 European chromosomes by the Exome Aggregation Consortium (ExAC). Comput ational prediction tools and conservation analysis do not provide strong support for or against an impact to the protein. In summary, the clinical significance of the p.Cys25052Phe variant is uncertain.

GeneDx
Classification: Uncertain significance. Last evaluated: 2014-09-04. Review status: criteria provided, single submitter. Criteria: GeneDx Variant Classification (06012015). Collection method: clinical testing. Allele origin: germline. Affected: yes.
Comment: Missense variants in the TTN gene are considered 'unclassified' if they are not previously reported in the literature and do not have >1% frequency in the population to be considered a polymorphism. Research indicates that truncating mutations in the TTN gene are expected to account for approximately 25% of familial and 18% of sporadic idiopathic DCM; however, truncating variants in the TTN gene have been reported in approximately 3% of reported control alleles. There has been little investigation into non-truncating variants. (Herman D et al. Truncations of titin causing dilated cardiomyopathy. N Eng J Med 366:619-628, 2012) The variant is found in CARDIOMYOPATHY panel(s).